The following is an entry in ClinVar:

NM_000153.4(GALC):c.*395C>T

Gene: GALC (galactosylceramidase; minus strand). Cytogenetic location: 14q31.3.
Variant type: single nucleotide variant.
Coding change: c.*395C>T on transcript NM_000153.4 (MANE Select); 395 bases downstream of the stop codon, C replaced by T.
Molecular consequence: 3 prime UTR variant.
Genome position (GRCh38, 1-based): chr14:87,934,337, G>A on the plus strand (C>T on the coding strand, the complement: GALC is on the minus strand). VCF-style: chr14-87934337-G-A. GRCh37 (hg19) VCF-style: chr14-88400681-G-A.
Other names: c.*395C>T (NM_001201401.2, NM_001201402.2).
Identifiers: ClinVar variation 314742 (VCV000314742.6), dbSNP rs3850376, ClinGen allele CA10646465.

ClinVar aggregate classification (germline): Benign. Review status: criteria provided, multiple submitters, no conflicts (2 of 4 stars). 2 submissions from 2 submitters: Benign (2). Last evaluated 2018-01-13.

Conditions:
Galactosylceramide beta-galactosidase deficiency. Also called: GALACTOCEREBROSIDASE DEFICIENCY; GALC DEFICIENCY; GLOBOID CELL LEUKOENCEPHALOPATHY; Leukodystrophy, Globoid Cell; Krabbe Disease. Identifiers: Orphanet 487, MedGen C0023521, MONDO:0009499, OMIM 245200.

Allele frequency attached by ClinVar (database versions not stated): gnomAD exomes 0.00353; gnomAD 0.00770 and 0.00795; TOPMed 0.01228; 1000 Genomes Project 0.01358; 1000 Genomes Project 30x 0.01530.

Submissions (2):

Illumina Laboratory Services, Illumina
Classification: Benign for Galactosylceramide beta-galactosidase deficiency. Last evaluated: 2018-01-13. Review status: criteria provided, single submitter. Criteria: ICSL Variant Classification Criteria 13 December 2019. Collection method: clinical testing. Allele origin: germline.
Comment: This variant was observed in the ICSL laboratory as part of a predisposition screen in an ostensibly healthy population. It had not been previously curated by ICSL or reported in the Human Gene Mutation Database (HGMD: prior to June 1st, 2018), and was therefore a candidate for classification through an automated scoring system. Utilizing variant allele frequency, disease prevalence and penetrance estimates, and inheritance mode, an automated score was calculated to assess if this variant is too frequent to cause the disease. Based on the score and internal cut-off values, a variant classified as benign is not then subjected to further curation. The score for this variant resulted in a classification of benign for this disease.

Breakthrough Genomics
Classification: Benign. Review status: criteria provided, single submitter. Criteria: ACMG Guidelines, 2015. Collection method: not provided. Allele origin: germline. Inheritance: Autosomal recessive inheritance. Affected: yes.